The following is an entry in ClinVar:

ClinVar aggregate classification (germline): Uncertain significance. Review status: criteria provided, multiple submitters, no conflicts (2 of 4 stars). 2 submissions from 2 submitters: Uncertain significance (2). Last evaluated 2026-03-01.

gnomAD v4.1: 57 of 1,548,500 alleles (0.0037%); highest among the groups gnomAD compares: Non-Finnish European, 0.0046%; no homozygotes.

Submissions (2):

CeGaT Center for Human Genetics Tuebingen
Classification: Uncertain significance. Last evaluated: 2026-03-01. Review status: criteria provided, single submitter. Criteria: CeGaT Center For Human Genetics Tuebingen Variant Classification Criteria Version 2. Collection method: clinical testing. Allele origin: germline. Affected: yes. Observed: 1 variant allele.
Comment: LMOD3: PM2, BP4

GeneDx
Classification: Uncertain significance. Last evaluated: 2025-07-07. Review status: criteria provided, single submitter. Criteria: GeneDx Variant Classification Process June 2021. Collection method: clinical testing. Allele origin: germline. Affected: yes.
Comment: Not observed at significant frequency in large population cohorts (gnomAD); In silico analysis suggests that this missense variant does not alter protein structure/function; Has not been previously published as pathogenic or benign to our knowledge

NM_198271.5(LMOD3):c.471C>G (p.Asp157Glu)

Gene: LMOD3 (leiomodin 3; minus strand). Cytogenetic location: 3p14.1.
Variant type: single nucleotide variant.
Coding change: c.471C>G on transcript NM_198271.5 (MANE Select); coding-DNA position 471, C replaced by G.
Protein change: p.Asp157Glu; replaces aspartic acid 157 with glutamic acid.
Molecular consequence: missense variant.
Genome position (GRCh38, 1-based): chr3:69,119,884, G>C on the plus strand (C>G on the coding strand, the complement: LMOD3 is on the minus strand). VCF-style: chr3-69119884-G-C. GRCh37 (hg19) VCF-style: chr3-69169035-G-C.
Other names: c.471C>G, p.Asp157Glu (NM_001304418.3); short protein forms D157E.
Identifiers: ClinVar variation 4685394 (VCV004685394.5).